The following is an entry in ClinVar:

NM_005257.6(GATA6):c.507C>A (p.Phe169Leu)

Gene: GATA6 (GATA binding protein 6; plus strand). Cytogenetic location: 18q11.2.
Variant type: single nucleotide variant.
Coding change: c.507C>A on transcript NM_005257.6 (MANE Select); coding-DNA position 507, C replaced by A.
Protein change: p.Phe169Leu; replaces phenylalanine 169 with leucine.
Molecular consequence: missense variant.
Genome position (GRCh38, 1-based): chr18:22,171,651, C>A. VCF-style: chr18-22171651-C-A. GRCh37 (hg19) VCF-style: chr18-19751612-C-A.
Other names: short protein forms F169L.
Identifiers: ClinVar variation 540135 (VCV000540135.1), dbSNP rs980861173, ClinGen allele CA401799812.
Genomic context (GRCh38, chr18:22,171,651, plus strand): 5'-GACCCTCGCCGCTCTCTCCAGCCAGGGTCCGGCCGCCTACGACGGCGCGCCCGGCGGCTT[C>A]GTGCACTCTGCGGCCGCGGCGGCAGCAGCCGCGGCGGCGGCCAGCTCCCCGGTCTACGTG-3'
Protein context (NP_005248.2, residues 159-179): PAAYDGAPGG[Phe169Leu]VHSAAAAAAA

ClinVar aggregate classification (germline): Uncertain significance (1 of 4 stars; one submission).

Conditions:
Atrioventricular septal defect 5 (AVSD5). Identifiers: MedGen C3280939, MONDO:0013769, OMIM 614474.

Allele frequency attached by ClinVar (database versions not stated): gnomAD exomes below 0.00001 and 0.00001.

Submission:

Labcorp Genetics (formerly Invitae), Labcorp
Classification: Uncertain significance for Atrioventricular septal defect 5. Last evaluated: 2017-09-13. Review status: criteria provided, single submitter. Criteria: Invitae Variant Classification Sherloc (09022015). Collection method: clinical testing. Allele origin: germline.
Comment: This sequence change replaces phenylalanine with leucine at codon 169 of the GATA6 protein (p.Phe169Leu). The phenylalanine residue is weakly conserved and there is a small physicochemical difference between phenylalanine and leucine. This variant is not present in population databases (ExAC no frequency). This variant has not been reported in the literature in individuals with GATA6-related disease. Algorithms developed to predict the effect of missense changes on protein structure and function do not agree on the potential impact of this missense change (SIFT: "Deleterious"; PolyPhen-2: "Possibly Damaging"; Align-GVGD: "Class C0"). Algorithms developed to predict the effect of sequence changes on RNA splicing suggest that this variant may create or strengthen a splice site, but this prediction has not been confirmed by published transcriptional studies. In summary, the available evidence is currently insufficient to determine the role of this variant in disease. Therefore, it has been classified as a Variant of Uncertain Significance.